The following is an entry in ClinVar:

ClinVar aggregate classification (germline): Likely benign. Review status: criteria provided, single submitter (1 of 4 stars). 2 submissions from 2 submitters: Likely benign (1). 1 of the submissions does not count toward it. Last evaluated 2023-12-01.

Conditions:
NUP160-related disorder. Also called: NUP160-related condition.

Allele frequency attached by ClinVar (database versions not stated): gnomAD exomes 0.00001; ExAC 0.00007; gnomAD 0.00017; TOPMed 0.00018; ESP Exome Variant Server 0.00023.
gnomAD v4.1: 37 of 1,589,260 alleles (0.0023%); highest among the groups gnomAD compares: African/African-American, 0.049%; no homozygotes.

Submissions (2):

CeGaT Center for Human Genetics Tuebingen
Classification: Likely benign. Last evaluated: 2023-12-01. Review status: criteria provided, single submitter. Criteria: CeGaT Center For Human Genetics Tuebingen Variant Classification Criteria Version 2. Collection method: clinical testing. Allele origin: germline. Affected: yes. Observed: 1 variant allele.
Comment: NUP160: BP4, BP7

PreventionGenetics, part of Exact Sciences
Classification: Likely benign for NUP160-related condition. Last evaluated: 2022-02-14. Review status: no assertion criteria provided. Collection method: clinical testing. Allele origin: germline. Not counted in ClinVar's aggregate classification.
Comment: This variant is classified as likely benign based on ACMG/AMP sequence variant interpretation guidelines (Richards et al. 2015 PMID: 25741868, with internal and published modifications).

NM_015231.3(NUP160):c.3885C>T (p.Tyr1295=)

Gene: NUP160 (nucleoporin 160; minus strand). Cytogenetic location: 11p11.2.
Variant type: single nucleotide variant.
Coding change: c.3885C>T on transcript NM_015231.3 (MANE Select); coding-DNA position 3885, C replaced by T.
Protein change: p.Tyr1295=; no amino-acid change (tyrosine 1295 retained).
Molecular consequence: synonymous variant. On other transcripts: non-coding transcript variant (1).
Genome position (GRCh38, 1-based): chr11:47,784,925, G>A on the plus strand (C>T on the coding strand, the complement: NUP160 is on the minus strand). VCF-style: chr11-47784925-G-A. GRCh37 (hg19) VCF-style: chr11-47806477-G-A.
Other names: c.3987C>T (NM_015231.2).
Identifiers: ClinVar variation 3026027 (VCV003026027.23), dbSNP rs146411765, ClinGen allele CA5980505.